The following is an entry in ClinVar:

NC_000017.10:g.(?_44108822)_(44159928_?)dup

Gene: KANSL1 (KAT8 regulatory NSL complex subunit 1). Cytogenetic location: 17q21.31.
Variant type: Duplication.
Identifiers: ClinVar variation 2423953 (VCV002423953.3).

ClinVar aggregate classification (germline): Uncertain significance (1 of 4 stars; one submission).

Conditions:
Koolen-de Vries syndrome (KDVS). Identifiers: Orphanet 96169, MedGen C1864871, MONDO:0012496, OMIM 610443.

Submission:

Labcorp Genetics (formerly Invitae), Labcorp
Classification: Uncertain significance for Koolen-de Vries syndrome. Last evaluated: 2022-10-05. Review status: criteria provided, single submitter. Criteria: Invitae Variant Classification Sherloc (09022015). Collection method: clinical testing. Allele origin: germline.
Comment: This variant results in a copy number gain of the genomic region encompassing exon(s) 4-15 of the KANSL1 gene. This region includes the termination codon of the gene. This copy number gain extends beyond the assayed region for this gene and therefore may encompass additional genes. As the precise location of this event is unknown, it may be in tandem or it may be located elsewhere in the genome. This variant has not been reported in the literature in individuals affected with KANSL1-related conditions. Experimental studies and prediction algorithms are not available or were not evaluated, and the functional significance of this variant is currently unknown. In summary, the available evidence is currently insufficient to determine the role of this variant in disease. Therefore, it has been classified as a Variant of Uncertain Significance.